The following is an entry in ClinVar:

ClinVar aggregate classification (germline): Benign. Review status: criteria provided, multiple submitters, no conflicts (2 of 4 stars). 2 submissions from 2 submitters: Benign (2). Last evaluated 2018-01-13.

Conditions:
Familial hemophagocytic lymphohistiocytosis 3 (FHL3). Also called: UNC13D-Related Familial Hemophagocytic Lymphohistiocytosis (UNC13D-fHLH). Identifiers: Orphanet 540, MedGen C1837174, MONDO:0012146, OMIM 608898.

Allele frequency attached by ClinVar (database versions not stated): gnomAD 0.02418 and 0.02092; 1000 Genomes Project 30x 0.07386; gnomAD exomes 0.02909; TOPMed 0.02634; 1000 Genomes Project 0.07867.

Submissions (2):

Illumina Laboratory Services, Illumina
Classification: Benign for Familial hemophagocytic lymphohistiocytosis 3. Last evaluated: 2018-01-13. Review status: criteria provided, single submitter. Criteria: ICSL Variant Classification Criteria 13 December 2019. Collection method: clinical testing. Allele origin: germline.
Comment: This variant was observed in the ICSL laboratory as part of a predisposition screen in an ostensibly healthy population. It had not been previously curated by ICSL or reported in the Human Gene Mutation Database (HGMD: prior to June 1st, 2018), and was therefore a candidate for classification through an automated scoring system. Utilizing variant allele frequency, disease prevalence and penetrance estimates, and inheritance mode, an automated score was calculated to assess if this variant is too frequent to cause the disease. Based on the score and internal cut-off values, a variant classified as benign is not then subjected to further curation. The score for this variant resulted in a classification of benign for this disease.

Breakthrough Genomics
Classification: Benign. Review status: criteria provided, single submitter. Criteria: ACMG Guidelines, 2015. Collection method: not provided. Allele origin: germline. Inheritance: Autosomal recessive inheritance. Affected: yes.

NM_199242.2(UNC13D):c.-250C>T

Gene: UNC13D (unc-13 homolog D; minus strand). Cytogenetic location: 17q25.1.
Variant type: single nucleotide variant.
Coding change: c.-250C>T on transcript NM_199242.2; 250 bases upstream of the start codon, C replaced by T.
Genome position (GRCh38, 1-based): chr17:75,844,587, G>A on the plus strand (C>T on the coding strand, the complement: UNC13D is on the minus strand). VCF-style: chr17-75844587-G-A. GRCh37 (hg19) VCF-style: chr17-73840668-G-A.
Identifiers: ClinVar variation 325284 (VCV000325284.8), dbSNP rs57161046, ClinGen allele CA10640605.
Genomic context (GRCh38, chr17:75,844,587, plus strand): 5'-CAGCTGGGATCCCTACAGGACCCTCCTCTGGCTGGAGCAGAAGGTGGACCCCGTGGGCAG[G>A]CCTGGCCCCGCCCCACCCTCCTACAGAGGCCCTGGGAAGGGGACAACGCTCTCAGCAGGG-3'